The following is an entry in ClinVar:

ClinVar aggregate classification (germline): Uncertain significance. Review status: criteria provided, multiple submitters, no conflicts (2 of 4 stars). 2 submissions from 2 submitters: Uncertain significance (2). Last evaluated 2022-12-31.

Conditions:
Sitosterolemia (STSL). Also called: PHYTOSTEROLEMIA. Identifiers: Orphanet 2882, MedGen C0342907, MONDO:0008863.
Sitosterolemia 2. Identifiers: MedGen C5231453, MONDO:0020748, OMIM 618666.

Allele frequency attached by ClinVar (database versions not stated): gnomAD 0.00001; gnomAD exomes 0.00001; TOPMed 0.00002; ExAC 0.00002.
gnomAD v4.1: 15 of 1,613,736 alleles (0.00093%); highest among the groups gnomAD compares: Middle Eastern, 0.016%; no homozygotes.

Submissions (2):

Labcorp Genetics (formerly Invitae), Labcorp
Classification: Uncertain significance for Sitosterolemia. Last evaluated: 2022-12-31. Review status: criteria provided, single submitter. Criteria: Invitae Variant Classification Sherloc (09022015). Collection method: clinical testing. Allele origin: germline.
Comment: This sequence change replaces cysteine, which is neutral and slightly polar, with tyrosine, which is neutral and polar, at codon 600 of the ABCG5 protein (p.Cys600Tyr). In summary, the available evidence is currently insufficient to determine the role of this variant in disease. Therefore, it has been classified as a Variant of Uncertain Significance. Algorithms developed to predict the effect of missense changes on protein structure and function (SIFT, PolyPhen-2, Align-GVGD) all suggest that this variant is likely to be disruptive. This missense change has been observed in individual(s) with dyslipidemia (PMID: 32041611). This variant is present in population databases (rs779109455, gnomAD 0.003%).

New York Genome Center
Classification: Uncertain significance for Sitosterolemia 2. Last evaluated: 2022-03-18. Review status: criteria provided, single submitter. Criteria: NYGC Assertion Criteria 2020. Collection method: clinical testing. Allele origin: germline. Observed: 1 heterozygote.

Literature cited by the submitters: PubMed 32041611 (cited by Labcorp Genetics (formerly Invitae), Labcorp).

NM_022436.3(ABCG5):c.1799G>A (p.Cys600Tyr)

Genes: ABCG5 (ATP binding cassette subfamily G member 5; minus strand), DYNC2LI1 (dynein cytoplasmic 2 light intermediate chain 1; plus strand). Cytogenetic location: 2p21.
Variant type: single nucleotide variant.
Coding change: c.1799G>A on transcript NM_022436.3 (MANE Select); coding-DNA position 1799, G replaced by A.
Protein change: p.Cys600Tyr; replaces cysteine 600 with tyrosine.
Molecular consequence: missense variant. On other transcripts: intron variant (2).
Genome position (GRCh38, 1-based): chr2:43,813,273, C>T on the plus strand (G>A on the coding strand, the complement: ABCG5 is on the minus strand). VCF-style: chr2-43813273-C-T. GRCh37 (hg19) VCF-style: chr2-44040412-C-T.
Other names: c.*15+2749C>T (NM_001348913.2, NM_001348912.2); short protein forms C600Y.
Identifiers: ClinVar variation 2502210 (VCV002502210.2), dbSNP rs779109455, ClinGen allele CA1636147.